The following is an entry in ClinVar:

NM_001367823.1(ARHGEF18):c.3295C>T (p.Arg1099Cys)

Gene: ARHGEF18 (Rho/Rac guanine nucleotide exchange factor 18; plus strand). Cytogenetic location: 19p13.2.
Variant type: single nucleotide variant.
Coding change: c.3295C>T on transcript NM_001367823.1 (MANE Select); coding-DNA position 3295, C replaced by T.
Protein change: p.Arg1099Cys; replaces arginine 1099 with cysteine.
Molecular consequence: missense variant.
Genome position (GRCh38, 1-based): chr19:7,467,499, C>T. VCF-style: chr19-7467499-C-T. GRCh37 (hg19) VCF-style: chr19-7532385-C-T.
Other names: c.2569C>T, p.Arg857Cys (NM_001130955.2); c.2257C>T, p.Arg753Cys (NM_001367824.1, NM_015318.4); short protein forms R857C, R1099C, R753C.
Identifiers: ClinVar variation 849637 (VCV000849637.8), dbSNP rs897546291, ClinGen allele CA304856603.

ClinVar aggregate classification (germline): Uncertain significance (1 of 4 stars; one submission).

Allele frequency attached by ClinVar (database versions not stated): gnomAD 0.00002; TOPMed 0.00002.
gnomAD v4.1: 22 of 1,433,576 alleles (0.0015%); highest among the groups gnomAD compares: Non-Finnish European, 0.002%; no homozygotes.

Submission:

Labcorp Genetics (formerly Invitae), Labcorp
Classification: Uncertain significance. Last evaluated: 2022-10-18. Review status: criteria provided, single submitter. Criteria: Invitae Variant Classification Sherloc (09022015). Collection method: clinical testing. Allele origin: germline.
Comment: This sequence change replaces arginine, which is basic and polar, with cysteine, which is neutral and slightly polar, at codon 911 of the ARHGEF18 protein (p.Arg911Cys). This variant is present in population databases (no rsID available, gnomAD 0.007%). This variant has not been reported in the literature in individuals affected with ARHGEF18-related conditions. ClinVar contains an entry for this variant (Variation ID: 849637). Algorithms developed to predict the effect of missense changes on protein structure and function are either unavailable or do not agree on the potential impact of this missense change (SIFT: "Deleterious"; PolyPhen-2: "Possibly Damaging"; Align-GVGD: "Class C0"). In summary, the available evidence is currently insufficient to determine the role of this variant in disease. Therefore, it has been classified as a Variant of Uncertain Significance.